The following is an entry in ClinVar:

ClinVar aggregate classification (germline): Uncertain significance. Review status: criteria provided, multiple submitters, no conflicts (2 of 4 stars). 4 submissions from 4 submitters: Uncertain significance (4). Last evaluated 2026-09-17.

Conditions:
PDE6B-related disorder. Also called: PDE6B-related disorders; PDE6B-related disease; PDE6B-related condition.
Inborn genetic diseases. Identifiers: MedGen C0950123, MeSH D030342.

Allele frequency attached by ClinVar (database versions not stated): ExAC 0.00002; gnomAD exomes 0.00004; gnomAD 0.00006; TOPMed 0.00006; ESP Exome Variant Server 0.00015.
gnomAD v4.1: 41 of 1,612,006 alleles (0.0025%); highest among the groups gnomAD compares: Middle Eastern, 0.066%; no homozygotes.

Submissions (4):

PreventionGenetics, part of Exact Sciences
Classification: Uncertain significance for PDE6B-related condition. Last evaluated: 2026-09-17. Review status: criteria provided, single submitter. Criteria: ACMG Guidelines, 2015. Collection method: clinical testing. Allele origin: germline.
Comment: The PDE6B c.2282G>A variant is predicted to result in the amino acid substitution p.Arg761Gln. To our knowledge, this variant has not been reported in the literature. This variant is reported in 0.012% of alleles in individuals of African descent in gnomAD. At this time, the clinical significance of this variant is uncertain due to the absence of conclusive functional and genetic evidence.

Labcorp Genetics (formerly Invitae), Labcorp
Classification: Uncertain significance. Last evaluated: 2025-12-01. Review status: criteria provided, single submitter. Criteria: Invitae Variant Classification Sherloc (09022015). Collection method: clinical testing. Allele origin: germline.
Comment: This sequence change replaces arginine, which is basic and polar, with glutamine, which is neutral and polar, at codon 761 of the PDE6B protein (p.Arg761Gln). This variant is present in population databases (rs144727865, gnomAD 0.01%). This variant has not been reported in the literature in individuals affected with PDE6B-related conditions. ClinVar contains an entry for this variant (Variation ID: 1041061). Invitae Evidence Modeling of protein sequence and biophysical properties (such as structural, functional, and spatial information, amino acid conservation, physicochemical variation, residue mobility, and thermodynamic stability) indicates that this missense variant is expected to disrupt PDE6B protein function with a positive predictive value of 95%. In summary, the available evidence is currently insufficient to determine the role of this variant in disease. Therefore, it has been classified as a Variant of Uncertain Significance.

Ambry Genetics
Classification: Uncertain significance for Inborn genetic diseases. Last evaluated: 2025-11-24. Review status: criteria provided, single submitter. Criteria: Ambry Variant Classification Scheme 2023. Collection method: clinical testing. Allele origin: germline.

Blueprint Genetics
Classification: Uncertain significance. Last evaluated: 2023-04-17. Review status: criteria provided, single submitter. Criteria: ACMG Guidelines, 2015. Collection method: clinical testing. Allele origin: germline.

NM_000283.4(PDE6B):c.2282G>A (p.Arg761Gln)

Gene: PDE6B (phosphodiesterase 6B; plus strand). Cytogenetic location: 4p16.3.
Variant type: single nucleotide variant.
Coding change: c.2282G>A on transcript NM_000283.4 (MANE Select); coding-DNA position 2282, G replaced by A.
Protein change: p.Arg761Gln; replaces arginine 761 with glutamine.
Molecular consequence: missense variant.
Genome position (GRCh38, 1-based): chr4:666,544, G>A. VCF-style: chr4-666544-G-A. GRCh37 (hg19) VCF-style: chr4-660333-G-A.
Other names: c.2282G>A (NM_000283.3); c.2282G>A, p.Arg761Gln (NM_001145291.2); c.1445G>A, p.Arg482Gln (NM_001145292.2, NM_001350154.3, NM_001379246.1 and 1 more transcripts); c.1127G>A, p.Arg376Gln (NM_001350155.3); short protein forms R761Q, R376Q, R482Q.
Identifiers: ClinVar variation 1041061 (VCV001041061.9), dbSNP rs144727865, ClinGen allele CA2794992.